The following is an entry in ClinVar:

ClinVar aggregate classification (germline): Likely benign. Review status: criteria provided, multiple submitters, no conflicts (2 of 4 stars). 3 submissions from 3 submitters: Likely benign (3). Last evaluated 2025-12-18.

Allele frequency attached by ClinVar (database versions not stated): ESP Exome Variant Server 0.00008; gnomAD exomes 0.00012 and 0.00018; 1000 Genomes Project 30x 0.00016; ExAC 0.00018; 1000 Genomes Project 0.00020; TOPMed 0.00027.
gnomAD v4.1: 211 of 1,614,042 alleles (0.013%); highest among the groups gnomAD compares: Middle Eastern, 0.049%; 2 homozygotes.

Submissions (3):

Labcorp Genetics (formerly Invitae), Labcorp
Classification: Likely benign. Last evaluated: 2025-12-18. Review status: criteria provided, single submitter. Criteria: Invitae Variant Classification Sherloc (09022015). Collection method: clinical testing. Allele origin: germline.

CeGaT Center for Human Genetics Tuebingen
Classification: Likely benign. Last evaluated: 2023-04-01. Review status: criteria provided, single submitter. Criteria: CeGaT Center For Human Genetics Tuebingen Variant Classification Criteria Version 2. Collection method: clinical testing. Allele origin: germline. Affected: yes. Observed: 1 variant allele.
Comment: POGLUT1: BP4, BP7

Breakthrough Genomics
Classification: Likely benign. Review status: criteria provided, single submitter. Criteria: ACMG Guidelines, 2015. Collection method: not provided. Allele origin: germline. Inheritance: Autosomal recessive inheritance. Affected: yes.

NM_152305.3(POGLUT1):c.294G>C (p.Arg98=)

Gene: POGLUT1 (protein O-glucosyltransferase 1; plus strand). Cytogenetic location: 3q13.33.
Variant type: single nucleotide variant.
Coding change: c.294G>C on transcript NM_152305.3 (MANE Select); coding-DNA position 294, G replaced by C.
Protein change: p.Arg98=; no amino-acid change (arginine 98 retained).
Molecular consequence: synonymous variant. On other transcripts: non-coding transcript variant (1).
Genome position (GRCh38, 1-based): chr3:119,471,426, G>C. VCF-style: chr3-119471426-G-C. GRCh37 (hg19) VCF-style: chr3-119190273-G-C.
Identifiers: ClinVar variation 1672306 (VCV001672306.33), dbSNP rs149506932, ClinGen allele CA2554797.